The following is an entry in ClinVar:

ClinVar aggregate classification (germline): Uncertain significance. Review status: criteria provided, multiple submitters, no conflicts (2 of 4 stars). 3 submissions from 3 submitters: Uncertain significance (3). Last evaluated 2025-12-04.

Conditions:
Hyperuricemia, pulmonary hypertension, renal failure, alkalosis syndrome (HUPRAS). Also called: HYPERURICEMIA, PULMONARY HYPERTENSION, RENAL FAILURE, AND ALKALOSIS SYNDROME; HUPRA SYNDROME. Identifiers: Orphanet 363694, MedGen C3151209, MONDO:0013458, OMIM 613845.

Allele frequency attached by ClinVar (database versions not stated): gnomAD exomes 0.00001; TOPMed 0.00003; ExAC 0.00006.
gnomAD v4.1: 19 of 1,613,318 alleles (0.0012%); highest among the groups gnomAD compares: Admixed American, 0.03%; no homozygotes.

Submissions (3):

Ambry Genetics
Classification: Uncertain significance. Last evaluated: 2025-12-04. Review status: criteria provided, single submitter. Criteria: Ambry Variant Classification Scheme 2023. Collection method: clinical testing. Allele origin: germline.

Labcorp Genetics (formerly Invitae), Labcorp
Classification: Uncertain significance. Last evaluated: 2025-08-17. Review status: criteria provided, single submitter. Criteria: Invitae Variant Classification Sherloc (09022015). Collection method: clinical testing. Allele origin: germline.
Comment: This sequence change replaces leucine, which is neutral and non-polar, with proline, which is neutral and non-polar, at codon 498 of the SARS2 protein (p.Leu498Pro). This variant is present in population databases (rs752525142, gnomAD 0.04%). This variant has not been reported in the literature in individuals affected with SARS2-related conditions. ClinVar contains an entry for this variant (Variation ID: 1900680). An algorithm developed to predict the effect of missense changes on protein structure and function (PolyPhen-2) suggests that this variant is likely to be disruptive. In summary, the available evidence is currently insufficient to determine the role of this variant in disease. Therefore, it has been classified as a Variant of Uncertain Significance.

Fulgent Genetics
Classification: Uncertain significance for Hyperuricemia, pulmonary hypertension, renal failure, alkalosis syndrome. Last evaluated: 2024-05-20. Review status: criteria provided, single submitter. Criteria: ACMG Guidelines, 2015. Collection method: clinical testing. Allele origin: germline.

NM_017827.4(SARS2):c.1493T>C (p.Leu498Pro)

Gene: SARS2 (seryl-tRNA synthetase 2, mitochondrial; minus strand). Cytogenetic location: 19q13.2.
Variant type: single nucleotide variant.
Coding change: c.1493T>C on transcript NM_017827.4 (MANE Select); coding-DNA position 1493, T replaced by C.
Protein change: p.Leu498Pro; replaces leucine 498 with proline.
Molecular consequence: missense variant.
Genome position (GRCh38, 1-based): chr19:38,915,670, A>G on the plus strand (T>C on the coding strand, the complement: SARS2 is on the minus strand). VCF-style: chr19-38915670-A-G. GRCh37 (hg19) VCF-style: chr19-39406310-A-G.
Other names: c.1499T>C, p.Leu500Pro (NM_001145901.2); c.1493T>C (NM_017827.3); short protein forms L498P, L500P.
Identifiers: ClinVar variation 1900680 (VCV001900680.7), dbSNP rs752525142, ClinGen allele CA9422680.